The following is an entry in ClinVar:

ClinVar aggregate classification (germline): Uncertain significance (1 of 4 stars; one submission).

Allele frequency attached by ClinVar (database versions not stated): ExAC 0.00001; gnomAD 0.00001; TOPMed 0.00005; ESP Exome Variant Server 0.00015.
gnomAD v4.1: 6 of 1,614,134 alleles (0.00037%); highest among the groups gnomAD compares: African/African-American, 0.004%; no homozygotes.

Submission:

Labcorp Genetics (formerly Invitae), Labcorp
Classification: Uncertain significance. Last evaluated: 2024-12-09. Review status: criteria provided, single submitter. Criteria: Invitae Variant Classification Sherloc (09022015). Collection method: clinical testing. Allele origin: germline.
Comment: This sequence change replaces valine, which is neutral and non-polar, with methionine, which is neutral and non-polar, at codon 408 of the MCM4 protein (p.Val408Met). This variant is present in population databases (rs145642457, gnomAD 0.0009%). This variant has not been reported in the literature in individuals affected with MCM4-related conditions. ClinVar contains an entry for this variant (Variation ID: 2191434). Invitae Evidence Modeling of protein sequence and biophysical properties (such as structural, functional, and spatial information, amino acid conservation, physicochemical variation, residue mobility, and thermodynamic stability) indicates that this missense variant is not expected to disrupt MCM4 protein function with a negative predictive value of 80%. In summary, the available evidence is currently insufficient to determine the role of this variant in disease. Therefore, it has been classified as a Variant of Uncertain Significance.

NM_182746.3(MCM4):c.1222G>A (p.Val408Met)

Gene: MCM4 (minichromosome maintenance complex component 4; plus strand). Cytogenetic location: 8q11.21.
Variant type: single nucleotide variant.
Coding change: c.1222G>A on transcript NM_182746.3 (MANE Select); coding-DNA position 1222, G replaced by A.
Protein change: p.Val408Met; replaces valine 408 with methionine.
Molecular consequence: missense variant.
Genome position (GRCh38, 1-based): chr8:47,969,845, G>A. VCF-style: chr8-47969845-G-A. GRCh37 (hg19) VCF-style: chr8-48882405-G-A.
Other names: c.1222G>A, p.Val408Met (NM_005914.4); short protein forms V408M.
Identifiers: ClinVar variation 2191434 (VCV002191434.3), dbSNP rs145642457, ClinGen allele CA4742567.
Genomic context (GRCh38, chr8:47,969,845, plus strand): 5'-GTTGTGCCCTCAGGCATCTATCGAGCTGTGCCTATTCGAGTCAATCCAAGAGTGAGTAAT[G>A]TGAAGTCTGTCTACAAAACCCACATTGATGTCATTCATTATCGGAAAACGGATGCAAAAC-3'
Protein context (NP_877423.1, residues 398-418): PIRVNPRVSN[Val408Met]KSVYKTHIDV